The following is an entry in ClinVar:

NM_000038.6(APC):c.122C>T (p.Ala41Val)

Gene: APC (APC regulator of Wnt signaling pathway; plus strand). Cytogenetic location: 5q22.2.
Variant type: single nucleotide variant.
Coding change: c.122C>T on transcript NM_000038.6 (MANE Select); coding-DNA position 122, C replaced by T.
Protein change: p.Ala41Val; replaces alanine 41 with valine.
Molecular consequence: missense variant. On other transcripts: intron variant (11), 5 prime UTR variant (4), non-coding transcript variant (2).
Genome position (GRCh38, 1-based): chr5:112,755,012, C>T. VCF-style: chr5-112755012-C-T. GRCh37 (hg19) VCF-style: chr5-112090709-C-T.
Other names: c.122C>T, p.Ala41Val (NM_001407452.1, NM_001407454.1, NM_001407455.1 and 16 more transcripts); c.166-11314C>T (NM_001354897.2, NM_001354902.2, NM_001127511.3 and 1 more transcripts); c.-42-11314C>T (NM_001407453.1, NM_001354900.2, NM_001354901.2 and 1 more transcripts); c.61-11314C>T (NM_001407451.1, NM_001354898.2, NM_001354904.2); c.-914C>T (NM_001407470.1, NM_001407471.1, NM_001407472.1 and 1 more transcripts); short protein forms A41V.
Identifiers: ClinVar variation 2677074 (VCV002677074.3), dbSNP rs1754802758, ClinGen allele CA16021611.

ClinVar aggregate classification (germline): Uncertain significance. Review status: criteria provided, multiple submitters, no conflicts (2 of 4 stars). 2 submissions from 2 submitters: Uncertain significance (2). Last evaluated 2025-01-26.

Conditions:
Familial adenomatous polyposis 1 (FAP1). Also called: FAMILIAL ADENOMATOUS POLYPOSIS 1, ATTENUATED; POLYPOSIS, ADENOMATOUS INTESTINAL. Identifiers: MedGen C2713442, MONDO:0021056, OMIM 175100. Disease mechanism: loss of function.

Allele frequency attached by ClinVar (database versions not stated): gnomAD exomes below 0.00001; gnomAD 0.00001.
gnomAD v4.1: 6 of 1,613,432 alleles (0.00037%); highest among the groups gnomAD compares: South Asian, 0.0066%; no homozygotes.

Submissions (2):

Labcorp Genetics (formerly Invitae), Labcorp
Classification: Uncertain significance for Familial adenomatous polyposis 1. Last evaluated: 2025-01-26. Review status: criteria provided, single submitter. Criteria: Invitae Variant Classification Sherloc (09022015). Collection method: clinical testing. Allele origin: germline.
Comment: This sequence change replaces alanine, which is neutral and non-polar, with valine, which is neutral and non-polar, at codon 41 of the APC protein (p.Ala41Val). RNA analysis indicates that this missense change induces altered splicing and likely results in the loss of 5 amino acid residue(s), but is expected to preserve the integrity of the reading-frame. This variant is not present in population databases (gnomAD no frequency). This variant has not been reported in the literature in individuals affected with APC-related conditions. ClinVar contains an entry for this variant (Variation ID: 2677074). Invitae Evidence Modeling of protein sequence and biophysical properties (such as structural, functional, and spatial information, amino acid conservation, physicochemical variation, residue mobility, and thermodynamic stability) indicates that this missense variant is not expected to disrupt APC protein function with a negative predictive value of 95%. Studies have shown that this missense change results in the activation of a cryptic splice site in exon 2 (internal data). In summary, the available evidence is currently insufficient to determine the role of this variant in disease. Therefore, it has been classified as a Variant of Uncertain Significance.

Baylor Genetics
Classification: Uncertain significance for Familial adenomatous polyposis 1. Last evaluated: 2023-09-26. Review status: criteria provided, single submitter. Criteria: ACMG Guidelines, 2015. Collection method: clinical testing. Allele origin: unknown.